The following is an entry in ClinVar:

NC_000001.10:g.(?_154437590)_(154437856_?)dup

Gene: IL6R (interleukin 6 receptor; plus strand). Cytogenetic location: 1q21.3.
Variant type: Duplication.
Identifiers: ClinVar variation 3247898 (VCV003247898.1).

ClinVar aggregate classification (germline): Uncertain significance (1 of 4 stars; one submission).

Submission:

Labcorp Genetics (formerly Invitae), Labcorp
Classification: Uncertain significance. Last evaluated: 2023-05-22. Review status: criteria provided, single submitter. Criteria: Invitae Variant Classification Sherloc (09022015). Collection method: clinical testing. Allele origin: unknown.
Comment: In summary, the available evidence is currently insufficient to determine the role of this variant in disease. Therefore, it has been classified as a Variant of Uncertain Significance. This variant has not been reported in the literature in individuals affected with IL6R-related conditions. This variant results in a copy number gain of the genomic region encompassing exon(s) 10 of the IL6R gene. This region includes the termination codon of the gene. This copy number gain extends beyond the assayed region for this gene and therefore may encompass additional genes. As the precise location of this event is unknown, it may be in tandem or it may be located elsewhere in the genome.